The following is an entry in ClinVar:

NM_003835.4(RGS9):c.861-13A>G

Gene: RGS9 (regulator of G protein signaling 9; plus strand). Cytogenetic location: 17q24.1.
Variant type: single nucleotide variant.
Coding change: c.861-13A>G on transcript NM_003835.4 (MANE Select); 13 bases into the intron before coding-DNA position 861, A replaced by G.
Molecular consequence: intron variant.
Genome position (GRCh38, 1-based): chr17:65,197,113, A>G. VCF-style: chr17-65197113-A-G. GRCh37 (hg19) VCF-style: chr17-63193231-A-G.
Other names: c.852-13A>G (NM_001081955.3, NM_001165933.2).
Identifiers: ClinVar variation 1345262 (VCV001345262.8), dbSNP rs775723423, ClinGen allele CA8717867.

ClinVar aggregate classification (germline): Uncertain significance (1 of 4 stars; one submission).

Allele frequency attached by ClinVar (database versions not stated): TOPMed below 0.00001; gnomAD 0.00001; gnomAD exomes 0.00001; ExAC 0.00002.
gnomAD v4.1: 16 of 1,602,218 alleles (0.001%); highest among the groups gnomAD compares: Middle Eastern, 0.016%; no homozygotes.

Submission:

Labcorp Genetics (formerly Invitae), Labcorp
Classification: Uncertain significance. Last evaluated: 2021-04-14. Review status: criteria provided, single submitter. Criteria: Invitae Variant Classification Sherloc (09022015). Collection method: clinical testing. Allele origin: germline.
Comment: This variant has not been reported in the literature in individuals with RGS9-related conditions. In summary, the available evidence is currently insufficient to determine the role of this variant in disease. Therefore, it has been classified as a Variant of Uncertain Significance. Algorithms developed to predict the effect of sequence changes on RNA splicing suggest that this variant may create or strengthen a splice site, but this prediction has not been confirmed by published transcriptional studies. This variant is present in population databases (rs775723423, ExAC 0.008%). This sequence change falls in intron 12 of the RGS9 gene. It does not directly change the encoded amino acid sequence of the RGS9 protein.